The following is an entry in ClinVar:

ClinVar aggregate classification (germline): Benign/Likely benign. Review status: criteria provided, multiple submitters, no conflicts (2 of 4 stars). 3 submissions from 3 submitters: Benign (1); Likely benign (2). Last evaluated 2025-05-13.

Conditions:
Hereditary cancer-predisposing syndrome. Also called: Tumor predisposition; Hereditary neoplastic syndrome; Hereditary Cancer Syndrome; Neoplastic Syndromes, Hereditary. Identifiers: Orphanet 140162, MedGen C0027672, MeSH D009386, MONDO:0015356.
Hereditary diffuse gastric adenocarcinoma (HDGC). Also called: DIFFUSE GASTRIC AND LOBULAR BREAST CANCER SYNDROME. Identifiers: Orphanet 26106, MedGen C1708349, MONDO:0007648, OMIM 137215.

gnomAD v4.1: 1 of 1,614,186 alleles (0.000062%); highest among the groups gnomAD compares: Non-Finnish European, 0.000085%; no homozygotes.

Submissions (3):

Labcorp Genetics (formerly Invitae), Labcorp
Classification: Likely benign. Last evaluated: 2025-05-13. Review status: criteria provided, single submitter. Criteria: Invitae Variant Classification Sherloc (09022015). Collection method: clinical testing. Allele origin: germline.

Myriad Genetics, Inc.
Classification: Benign for Hereditary diffuse gastric adenocarcinoma. Last evaluated: 2024-10-15. Review status: criteria provided, single submitter. Criteria: Myriad Autosomal Dominant, Autosomal Recessive and X-Linked Classification Criteria (2023). Collection method: clinical testing. Allele origin: unknown.
Comment: This variant is considered benign. This variant is a silent/synonymous amino acid change and it is not expected to impact splicing.

Ambry Genetics
Classification: Likely benign for Hereditary cancer-predisposing syndrome. Last evaluated: 2019-05-31. Review status: criteria provided, single submitter. Criteria: Ambry Variant Classification Scheme 2023. Collection method: clinical testing. Allele origin: germline.

NM_001903.5(CTNNA1):c.2493G>A (p.Gln831=)

Gene: CTNNA1 (catenin alpha 1; plus strand). Cytogenetic location: 5q31.2.
Variant type: single nucleotide variant.
Coding change: c.2493G>A on transcript NM_001903.5 (MANE Select); coding-DNA position 2493, G replaced by A.
Protein change: p.Gln831=; no amino-acid change (glutamine 831 retained).
Molecular consequence: synonymous variant. On other transcripts: 3 prime UTR variant (5).
Genome position (GRCh38, 1-based): chr5:138,933,861, G>A. VCF-style: chr5-138933861-G-A. GRCh37 (hg19) VCF-style: chr5-138269550-G-A.
Other names: c.1383G>A, p.Gln461= (NM_001323987.1, NM_001323988.1, NM_001323989.1 and 12 more transcripts); c.1248G>A, p.Gln416= (NM_001324001.1); c.*38G>A (NM_001324002.1, NM_001324003.1, NM_001324004.1 and 2 more transcripts); c.1044G>A, p.Gln348= (NM_001324006.1, NM_001324007.1, NM_001324008.1 and 2 more transcripts); c.1290G>A, p.Gln430= (NM_001324011.1); c.1140G>A, p.Gln380= (NM_001324012.1, NM_001324013.1); c.2184G>A, p.Gln728= (NM_001290309.3); c.2124G>A, p.Gln708= (NM_001290310.3); and 3 more.
Identifiers: ClinVar variation 701936 (VCV000701936.16), dbSNP rs781450977, ClinGen allele CA446793155.